The following is an entry in ClinVar:

ClinVar aggregate classification (germline): Uncertain significance (1 of 4 stars; one submission).

Conditions:
Christianson syndrome (MRXSCH). Also called: X-linked mental retardation, syndromic, Christianson type; SLC9A6-Related Syndromic Mental Retardation; INTELLECTUAL DEVELOPMENTAL DISORDER, X-LINKED, SYNDROMIC, CHRISTIANSON TYPE. Identifiers: Orphanet 85278, MedGen C2678194, MONDO:0010278, OMIM 300243.

Submission:

Labcorp Genetics (formerly Invitae), Labcorp
Classification: Uncertain significance for Christianson syndrome. Last evaluated: 2024-07-10. Review status: criteria provided, single submitter. Criteria: Invitae Variant Classification Sherloc (09022015). Collection method: clinical testing. Allele origin: germline.
Comment: This sequence change replaces glutamine, which is neutral and polar, with arginine, which is basic and polar, at codon 62 of the SLC9A6 protein (p.Gln62Arg). This variant is not present in population databases (gnomAD no frequency). This variant has not been reported in the literature in individuals affected with SLC9A6-related conditions. Advanced modeling of protein sequence and biophysical properties (such as structural, functional, and spatial information, amino acid conservation, physicochemical variation, residue mobility, and thermodynamic stability) performed at Invitae indicates that this missense variant is not expected to disrupt SLC9A6 protein function with a negative predictive value of 80%. In summary, the available evidence is currently insufficient to determine the role of this variant in disease. Therefore, it has been classified as a Variant of Uncertain Significance.

NM_001379110.1(SLC9A6):c.29A>G (p.Gln10Arg)

Gene: SLC9A6 (solute carrier family 9 member A6; plus strand). Cytogenetic location: Xq26.3.
Variant type: single nucleotide variant.
Coding change: c.29A>G on transcript NM_001379110.1 (MANE Select); coding-DNA position 29, A replaced by G.
Protein change: p.Gln10Arg; replaces glutamine 10 with arginine.
Molecular consequence: missense variant.
Genome position (GRCh38, 1-based): chrX:135,985,687, A>G. VCF-style: chrX-135985687-A-G. GRCh37 (hg19) VCF-style: chrX-135067846-A-G.
Other names: c.185A>G, p.Gln62Arg (NM_001042537.2, NM_006359.3); c.29A>G, p.Gln10Arg (NM_001177651.2, NM_001330652.2, NM_001400909.1 and 4 more transcripts); short protein forms Q10R, Q62R.
Identifiers: ClinVar variation 3659147 (VCV003659147.2).